The following is an entry in ClinVar:

ClinVar aggregate classification (germline): Uncertain significance. Review status: criteria provided, multiple submitters, no conflicts (2 of 4 stars). 5 submissions from 5 submitters: Uncertain significance (5). Last evaluated 2025-10-30.

Conditions:
Hereditary pheochromocytoma and paraganglioma. Also called: Hereditary paragangliomas and pheochromocytomas; Hereditary pheochromocytoma-paraganglioma; Hereditary Paraganglioma-Pheochromocytoma Syndromes. Identifiers: Orphanet 29072, MedGen C4274332, MONDO:0017366.
Hereditary cancer-predisposing syndrome. Also called: Tumor predisposition; Hereditary Cancer Syndrome; Hereditary neoplastic syndrome; Neoplastic Syndromes, Hereditary. Identifiers: Orphanet 140162, MedGen C0027672, MeSH D009386, MONDO:0015356.

Allele frequency attached by ClinVar (database versions not stated): gnomAD 0.00001; gnomAD exomes 0.00001 and 0.00002; ExAC 0.00002.
gnomAD v4.1: 19 of 1,614,056 alleles (0.0012%); highest among the groups gnomAD compares: South Asian, 0.019%; no homozygotes.

Submissions (5):

Labcorp Genetics (formerly Invitae), Labcorp
Classification: Uncertain significance for Hereditary pheochromocytoma and paraganglioma. Last evaluated: 2025-10-30. Review status: criteria provided, single submitter. Criteria: Invitae Variant Classification Sherloc (09022015). Collection method: clinical testing. Allele origin: germline.
Comment: This sequence change replaces phenylalanine, which is neutral and non-polar, with isoleucine, which is neutral and non-polar, at codon 143 of the SDHAF2 protein (p.Phe143Ile). This variant is present in population databases (rs755233768, gnomAD 0.02%). This variant has not been reported in the literature in individuals affected with SDHAF2-related conditions. ClinVar contains an entry for this variant (Variation ID: 665013). An algorithm developed to predict the effect of missense changes on protein structure and function (PolyPhen-2) suggests that this variant is likely to be disruptive. In summary, the available evidence is currently insufficient to determine the role of this variant in disease. Therefore, it has been classified as a Variant of Uncertain Significance.

Ambry Genetics
Classification: Uncertain significance for Hereditary cancer-predisposing syndrome. Last evaluated: 2025-01-19. Review status: criteria provided, single submitter. Criteria: Ambry Variant Classification Scheme 2023. Collection method: clinical testing. Allele origin: germline.
Comment: The p.F143I variant (also known as c.427T>A), located in coding exon 4 of the SDHAF2 gene, results from a T to A substitution at nucleotide position 427. The phenylalanine at codon 143 is replaced by isoleucine, an amino acid with highly similar properties. This amino acid position is conserved. In addition, the in silico prediction for this alteration is inconclusive. Since supporting evidence is limited at this time, the clinical significance of this alteration remains unclear.

Color Diagnostics, LLC DBA Color Health
Classification: Uncertain significance for Hereditary pheochromocytoma and paraganglioma. Last evaluated: 2024-06-18. Review status: criteria provided, single submitter. Criteria: ACMG Guidelines, 2015. Collection method: clinical testing. Allele origin: germline.
Comment: This missense variant replaces phenylalanine with isoleucine at codon 143 of the SDHAF2 protein. Computational prediction is inconclusive regarding the impact of this variant on protein structure and function. To our knowledge, functional studies have not been reported for this variant. This variant has not been reported in individuals affected with SDHAF2-related disorders in the literature. This variant has been identified in 5/251468 chromosomes in the general population by the Genome Aggregation Database (gnomAD). The available evidence is insufficient to determine the role of this variant in disease conclusively. Therefore, this variant is classified as a Variant of Uncertain Significance.

All of Us Research Program, National Institutes of Health
Classification: Uncertain significance for Hereditary pheochromocytoma and paraganglioma. Last evaluated: 2023-03-28. Review status: criteria provided, single submitter. Criteria: ACMG Guidelines, 2015. Collection method: clinical testing. Allele origin: germline. Inheritance: Autosomal dominant inheritance. Observed: 1 variant allele, 1 heterozygote.
Comment: This study involves interpretation of variants in research participants for the purpose of population health screening. Participant phenotype was not available at the time of variant classification. Additional details can be found in publication PMID: 35346344, PMCID: PMC8962531

Sema4
Classification: Uncertain significance for Hereditary cancer-predisposing syndrome. Last evaluated: 2021-12-23. Review status: criteria provided, single submitter. Criteria: Sema4 Curation Guidelines. Collection method: curation. Allele origin: germline.
Comment: The SDHAF2 c.427T>A (p.F143I) variant has not been reported in the literature to our knowledge. It was observed in 5/30616 chromosomes of the South Asian subpopulation, in the large and broad cohorts of the Genome Aggregation Database (PMID: 32461654). This variant has been reported in ClinVar (Variation ID 665013). Functional studies have not been performed, and in silico predictions of the variant's effect on protein function are inconclusive. The evidence is insufficient to meet ACMG/AMP criteria for classifying the variant as benign or pathogenic. Thus, the clinical significance of this variant is currently uncertain.

NM_017841.4(SDHAF2):c.427T>A (p.Phe143Ile)

Gene: SDHAF2 (succinate dehydrogenase complex assembly factor 2; plus strand). Cytogenetic location: 11q12.2.
Variant type: single nucleotide variant.
Coding change: c.427T>A on transcript NM_017841.4 (MANE Select); coding-DNA position 427, T replaced by A.
Protein change: p.Phe143Ile; replaces phenylalanine 143 with isoleucine.
Molecular consequence: missense variant.
Genome position (GRCh38, 1-based): chr11:61,445,997, T>A. VCF-style: chr11-61445997-T-A. GRCh37 (hg19) VCF-style: chr11-61213469-T-A.
Other names: short protein forms F143I.
Identifiers: ClinVar variation 665013 (VCV000665013.14), dbSNP rs755233768, ClinGen allele CA059293.